The following is an entry in ClinVar:

NM_000603.5(NOS3):c.2384C>T (p.Pro795Leu)

Gene: NOS3 (nitric oxide synthase 3; plus strand). Cytogenetic location: 7q36.1.
Variant type: single nucleotide variant.
Coding change: c.2384C>T on transcript NM_000603.5 (MANE Select); coding-DNA position 2384, C replaced by T.
Protein change: p.Pro795Leu; replaces proline 795 with leucine.
Molecular consequence: missense variant.
Genome position (GRCh38, 1-based): chr7:151,009,457, C>T. VCF-style: chr7-151009457-C-T. GRCh37 (hg19) VCF-style: chr7-150706545-C-T.
Other names: short protein forms P795L.
Identifiers: ClinVar variation 3353279 (VCV003353279.1).

ClinVar aggregate classification (germline): Uncertain significance (0 of 4 stars; one submission).

Conditions:
NOS3-related disorder. Also called: NOS3-related condition.

gnomAD v4.1: 112 of 1,549,240 alleles (0.0072%); highest among the groups gnomAD compares: East Asian, 0.13%; no homozygotes.

Submission:

PreventionGenetics, part of Exact Sciences
Classification: Uncertain significance for NOS3-related condition. Last evaluated: 2024-06-24. Review status: no assertion criteria provided. Collection method: clinical testing. Allele origin: germline.
Comment: The NOS3 c.2384C>T variant is predicted to result in the amino acid substitution p.Pro795Leu. This variant was reported in an individual with Congenital heart defect (Table 2, Russell et al. 2019. PubMed ID: 31453292). This variant is reported in 0.30% of alleles in individuals of East Asian descent in gnomAD. Although we suspect that this variant may be benign, at this time, the clinical significance of this variant is uncertain due to the absence of conclusive functional and genetic evidence.